The following is an entry in ClinVar:

ClinVar aggregate classification (germline): Uncertain significance (1 of 4 stars; one submission).

Submission:

GeneDx
Classification: Uncertain significance. Last evaluated: 2022-07-12. Review status: criteria provided, single submitter. Criteria: GeneDx Variant Classification Process June 2021. Collection method: clinical testing. Allele origin: germline. Affected: yes.
Comment: Not observed at significant frequency in large population cohorts (gnomAD); In silico analysis supports that this missense variant has a deleterious effect on protein structure/function; Has not been previously published as pathogenic or benign to our knowledge

NM_003797.5(EED):c.1101G>T (p.Arg367Ser)

Gene: EED (embryonic ectoderm development; plus strand). Cytogenetic location: 11q14.2.
Variant type: single nucleotide variant.
Coding change: c.1101G>T on transcript NM_003797.5 (MANE Select); coding-DNA position 1101, G replaced by T.
Protein change: p.Arg367Ser; replaces arginine 367 with serine.
Molecular consequence: missense variant.
Genome position (GRCh38, 1-based): chr11:86,277,114, G>T. VCF-style: chr11-86277114-G-T. GRCh37 (hg19) VCF-style: chr11-85988156-G-T.
Other names: c.1176G>T, p.Arg392Ser (NM_001308007.2); c.861G>T, p.Arg287Ser (NM_001330334.2); short protein forms R287S, R367S, R392S.
Identifiers: ClinVar variation 1878843 (VCV001878843.1), dbSNP rs2495925012, ClinGen allele CA382007728.